The following is an entry in ClinVar:

NM_016219.5(MAN1B1):c.1886G>A (p.Arg629Gln)

Gene: MAN1B1 (mannosidase alpha class 1B member 1; plus strand). Cytogenetic location: 9q34.3.
Variant type: single nucleotide variant.
Coding change: c.1886G>A on transcript NM_016219.5 (MANE Select); coding-DNA position 1886, G replaced by A.
Protein change: p.Arg629Gln; replaces arginine 629 with glutamine.
Molecular consequence: missense variant. On other transcripts: non-coding transcript variant (2).
Genome position (GRCh38, 1-based): chr9:137,107,652, G>A. VCF-style: chr9-137107652-G-A. GRCh37 (hg19) VCF-style: chr9-140002104-G-A.
Other names: c.1778G>A, p.Arg593Gln (NM_007230.1); short protein forms R629Q, R593Q.
Identifiers: ClinVar variation 2141733 (VCV002141733.3), dbSNP rs200910068, ClinGen allele CA5359416.
Genomic context (GRCh38, chr9:137,107,652, plus strand): 5'-GCGTCACAGGGGACCGCAAATACCAGGACTGGGGCTGGGAGATTCTGCAGAGCTTCAGCC[G>A]ATTCACACGGGTGAGCACCTGTCCTCGCCCCGCGTGGTCACGGCCACCGGGCCACAGGCA-3'
Protein context (NP_057303.2, residues 619-639): WGWEILQSFS[Arg629Gln]FTRVPSGGYS

ClinVar aggregate classification (germline): Uncertain significance (1 of 4 stars; one submission).

Conditions:
Rafiq syndrome (RAFQS). Identifiers: Orphanet 88616, MedGen C3280127, MONDO:0013624, OMIM 614202.

Allele frequency attached by ClinVar (database versions not stated): TOPMed 0.00003; ExAC 0.00007; gnomAD 0.00007; 1000 Genomes Project 0.00020; 1000 Genomes Project 30x 0.00031.
gnomAD v4.1: 142 of 1,609,600 alleles (0.0088%); highest among the groups gnomAD compares: Middle Eastern, 0.016%; no homozygotes.

Submission:

Labcorp Genetics (formerly Invitae), Labcorp
Classification: Uncertain significance for Rafiq syndrome. Last evaluated: 2023-08-17. Review status: criteria provided, single submitter. Criteria: Invitae Variant Classification Sherloc (09022015). Collection method: clinical testing. Allele origin: germline.
Comment: In summary, the available evidence is currently insufficient to determine the role of this variant in disease. Therefore, it has been classified as a Variant of Uncertain Significance. An algorithm developed to predict the effect of missense changes on protein structure and function (PolyPhen-2) suggests that this variant¬†is likely to be tolerated. ClinVar contains an entry for this variant (Variation ID: 2141733). This variant has not been reported in the literature in individuals affected with MAN1B1-related conditions. This variant is present in population databases (rs200910068, gnomAD 0.01%). This sequence change replaces arginine, which is basic and polar, with glutamine, which is neutral and polar, at codon 629 of the MAN1B1 protein (p.Arg629Gln).